The following is an entry in ClinVar:

ClinVar aggregate classification (germline): Likely benign. Review status: criteria provided, multiple submitters, no conflicts (2 of 4 stars). 4 submissions from 4 submitters: Likely benign (3). 1 of the submissions does not count toward it. Last evaluated 2025-07-09.

Conditions:
C1R-related disorder. Also called: C1R-related condition.

Allele frequency attached by ClinVar (database versions not stated): ESP Exome Variant Server 0.00008; 1000 Genomes Project 0.00020; gnomAD 0.00023 and 0.00024; TOPMed 0.00028; 1000 Genomes Project 30x 0.00031; gnomAD exomes 0.00032 and 0.00033; ExAC 0.00057.
gnomAD v4.1: 230 of 745,364 alleles (0.031%); highest among the groups gnomAD compares: Non-Finnish European, 0.029%; no homozygotes.

Submissions (4):

Women's Health and Genetics/Laboratory Corporation of America, LabCorp
Classification: Likely benign. Last evaluated: 2025-07-09. Review status: criteria provided, single submitter. Criteria: LabCorp Variant Classification Summary - May 2015. Collection method: clinical testing. Allele origin: germline.
Comment: Variant summary: C1R c.26C>T (p.Pro9Leu) results in a non-conservative amino acid change in the encoded protein sequence. Algorithms developed to predict the effect of missense changes on protein structure and function are either unavailable or do not agree on the potential impact of this missense change. The variant allele was found at a frequency of 0.00033 in 190788 control chromosomes, predominantly at a frequency of 0.00025 within the Non-Finnish European subpopulation in the gnomAD database. The observed variant frequency within Non-Finnish European control individuals in the gnomAD database is approximately 250 fold of the estimated maximal expected allele frequency for a pathogenic variant in C1R causing Ehlers-Danlos syndrome, periodontal type 1 phenotype (1e-06). To our knowledge, no occurrence of c.26C>T in individuals affected with Ehlers-Danlos syndrome, periodontal type 1 and no experimental evidence demonstrating its impact on protein function have been reported. ClinVar contains an entry for this variant (Variation ID: 1013005). Based on the evidence outlined above, the variant was classified as likely benign.

CeGaT Center for Human Genetics Tuebingen
Classification: Likely benign. Last evaluated: 2024-02-01. Review status: criteria provided, single submitter. Criteria: CeGaT Center For Human Genetics Tuebingen Variant Classification Criteria Version 2. Collection method: clinical testing. Allele origin: germline. Affected: yes. Observed: 2 variant alleles.
Comment: C1R: BP4, BS2

Breakthrough Genomics
Classification: Likely benign. Review status: criteria provided, single submitter. Criteria: ACMG Guidelines, 2015. Collection method: not provided. Allele origin: germline. Inheritance: Autosomal dominant inheritance. Affected: yes.

PreventionGenetics, part of Exact Sciences
Classification: Likely benign for C1R-related condition. Last evaluated: 2024-04-03. Review status: no assertion criteria provided. Collection method: clinical testing. Allele origin: germline. Not counted in ClinVar's aggregate classification.
Comment: This variant is classified as likely benign based on ACMG/AMP sequence variant interpretation guidelines (Richards et al. 2015 PMID: 25741868, with internal and published modifications).

NM_001733.7(C1R):c.26C>T (p.Pro9Leu)

Gene: C1R (complement C1r; minus strand). Cytogenetic location: 12p13.31.
Variant type: single nucleotide variant.
Coding change: c.26C>T on transcript NM_001733.7 (MANE Select); coding-DNA position 26, C replaced by T.
Protein change: p.Pro9Leu; replaces proline 9 with leucine.
Molecular consequence: missense variant.
Genome position (GRCh38, 1-based): chr12:7,091,657, G>A on the plus strand (C>T on the coding strand, the complement: C1R is on the minus strand). VCF-style: chr12-7091657-G-A. GRCh37 (hg19) VCF-style: chr12-7244253-G-A.
Other names: c.26C>T (NM_001733.4); c.68C>T, p.Pro23Leu (NM_001354346.2); short protein forms P23L, P9L.
Identifiers: ClinVar variation 1013005 (VCV001013005.40), dbSNP rs201255383, ClinGen allele CA6424337.